The following is an entry in ClinVar:

NM_001148.6(ANK2):c.2060A>G (p.Asn687Ser)

Gene: ANK2 (ankyrin 2; plus strand). Cytogenetic location: 4q26.
Variant type: single nucleotide variant.
Coding change: c.2060A>G on transcript NM_001148.6 (MANE Select); coding-DNA position 2060, A replaced by G.
Protein change: p.Asn687Ser; replaces asparagine 687 with serine.
Molecular consequence: missense variant.
Genome position (GRCh38, 1-based): chr4:113,282,853, A>G. VCF-style: chr4-113282853-A-G. GRCh37 (hg19) VCF-style: chr4-114204009-A-G.
Other names: p.N687S:AAT>AGT; c.1997A>G, p.Asn666Ser (NM_001127493.3, NM_001354252.2, NM_001354254.2 and 10 more transcripts); c.2060A>G, p.Asn687Ser (NM_001354225.2, NM_001354228.2, NM_001354232.2 and 6 more transcripts); c.2105A>G, p.Asn702Ser (NM_001354230.2, NM_001354231.2, NM_001386144.1 and 5 more transcripts); c.1898A>G, p.Asn633Ser (NM_001354253.2, NM_001354257.2, NM_001354270.2 and 1 more transcripts); c.1874A>G, p.Asn625Ser (NM_001354260.2, NM_001354271.2, NM_001386151.1); c.2018A>G, p.Asn673Ser (NM_001354261.2, NM_001386160.1, NM_001386147.1); c.1862A>G, p.Asn621Ser (NM_001354273.2); and 9 more; short protein forms N666S, N687S, N592S, N617S, N625S, N658S, N633S, N654S.
Identifiers: ClinVar variation 190594 (VCV000190594.35), dbSNP rs29372, ClinGen allele CA199873.

ClinVar aggregate classification (germline): Conflicting classifications of pathogenicity. Review status: criteria provided, conflicting classifications (1 of 4 stars). 8 submissions from 8 submitters: Uncertain significance (3); Benign (1); Likely benign (3). 1 of the submissions does not count toward it. Last evaluated 2025-04-27.

Conditions:
Cardiovascular phenotype. Identifiers: MedGen CN230736.
Brugada syndrome. Also called: Sudden unexplained nocturnal death syndrome; Sudden Unexplained Death Syndrome; Sudden Unexplained Nocturnal Death Syndrome (SUNDS); Sudden unexpected nocturnal death syndrome. Identifiers: Orphanet 130, MedGen C1142166, MONDO:0015263.
Long QT syndrome (LQTS). Identifiers: MedGen C0023976, MeSH D008133, MONDO:0002442. Disease mechanism: loss of function. Inheritance: Various modes of inheritance.
Cardiac arrhythmia, ankyrin-B-related. Also called: ANKYRIN-B SYNDROME. Identifiers: Orphanet 101016, Orphanet 768, MedGen C1970119, MONDO:0010958, OMIM 600919.

Allele frequency attached by ClinVar (database versions not stated): gnomAD exomes 0.00004 and 0.00023; ExAC 0.00007; TOPMed 0.00007; gnomAD 0.00008 and 0.00009; ESP Exome Variant Server 0.00031.
gnomAD v4.1: 353 of 1,613,914 alleles (0.022%); highest among the groups gnomAD compares: Non-Finnish European, 0.029%; no homozygotes.

Submissions (8):

Labcorp Genetics (formerly Invitae), Labcorp
Classification: Uncertain significance for Long QT syndrome. Last evaluated: 2025-04-27. Review status: criteria provided, single submitter. Criteria: Invitae Variant Classification Sherloc (09022015). Collection method: clinical testing. Allele origin: germline.
Comment: This sequence change replaces asparagine, which is neutral and polar, with serine, which is neutral and polar, at codon 687 of the ANK2 protein (p.Asn687Ser). This variant is present in population databases (rs29372, gnomAD 0.01%). This missense change has been observed in individual(s) with unexplained stillbirth (PMID: 29874177). ClinVar contains an entry for this variant (Variation ID: 190594). Invitae Evidence Modeling of protein sequence and biophysical properties (such as structural, functional, and spatial information, amino acid conservation, physicochemical variation, residue mobility, and thermodynamic stability) indicates that this missense variant is not expected to disrupt ANK2 protein function with a negative predictive value of 80%. In summary, the available evidence is currently insufficient to determine the role of this variant in disease. Therefore, it has been classified as a Variant of Uncertain Significance.

CeGaT Center for Human Genetics Tuebingen
Classification: Likely benign. Last evaluated: 2024-05-01. Review status: criteria provided, single submitter. Criteria: CeGaT Center For Human Genetics Tuebingen Variant Classification Criteria Version 2. Collection method: clinical testing. Allele origin: germline. Affected: yes. Observed: 1 variant allele.
Comment: ANK2: BP4

Ambry Genetics
Classification: Likely benign for Cardiovascular phenotype. Last evaluated: 2024-01-24. Review status: criteria provided, single submitter. Criteria: Ambry Variant Classification Scheme 2023. Collection method: clinical testing. Allele origin: germline.

GeneDx
Classification: Uncertain significance. Last evaluated: 2023-03-15. Review status: criteria provided, single submitter. Criteria: GeneDx Variant Classification Process June 2021. Collection method: clinical testing. Allele origin: germline. Affected: yes.
Comment: Identified in a cohort of stillbirths undergoing sequencing for genes associated with arrhythmia; however, clinical information is not available (Munroe et al., 2018); In silico analysis supports that this missense variant has a deleterious effect on protein structure/function; This variant is associated with the following publications: (PMID: 25649125, 27527004, 16741161, 23861362, 17161064, 19862833, 29874177)

Women's Health and Genetics/Laboratory Corporation of America, LabCorp
Classification: Likely benign. Last evaluated: 2023-02-14. Review status: criteria provided, single submitter. Criteria: LabCorp Variant Classification Summary - May 2015. Collection method: clinical testing. Allele origin: germline.
Comment: Variant summary: ANK2 c.2060A>G (p.Asn687Ser) results in a conservative amino acid change in the encoded protein sequence. Five of five in-silico tools predict a benign effect of the variant on protein function. The variant allele was found at a frequency of 4.6e-05 in 283602 control chromosomes (gnomAD). The observed variant frequency is approximately 7 fold of the estimated maximal expected allele frequency for a pathogenic variant in ANK2 causing Long QT Syndrome phenotype (6.7e-06), strongly suggesting that the variant is benign. c.2060A>G has been reported in the literature in one individual affected with torsades de pointes and one stillbirth case (Mank-Seymour_2006, Munroe_2018). These reports do not provide unequivocal conclusions about association of the variant with Long QT Syndrome. To our knowledge, no experimental evidence demonstrating an impact on protein function has been reported. Four ClinVar submitters (evaluation after 2014) cite this variant as uncertain significance (n=3) and likely benign (n=1). Based on the evidence outlined above, the variant was classified as likely benign.

Department of Pathology and Laboratory Medicine, Sinai Health System
Classification: Uncertain significance for Brugada syndrome. Last evaluated: 2022-09-20. Review status: criteria provided, single submitter. Criteria: ACMG Guidelines, 2015. Collection method: research. Allele origin: germline.

Biesecker Lab/Clinical Genomics Section, National Institutes of Health
Classification: Benign. Last evaluated: 2013-06-24. Review status: criteria provided, single submitter. Criteria: Ng et al. (Circ Cardiovasc Genet. 2013). Collection method: research. Allele origin: unknown. Observed: 1 variant allele. Study: ClinSeq.
Comment: The study set was not selected for affection status in relation to any cancer. Pathogenicity categories were based on literature curation. See Pubmed ID:23861362 for details.

Medical sequencing

Division of Human Genetics, Children's Hospital of Philadelphia
Classification: Uncertain significance for Cardiac arrhythmia, ankyrin-B-related. Last evaluated: 2015-12-10. Review status: no assertion criteria provided. Collection method: research. Allele origin: maternal. Affected: yes. Study: CSER-PediSeq. Not counted in ClinVar's aggregate classification.

Literature cited by the submitters: PubMed 29874177 (cited by Labcorp Genetics (formerly Invitae), Labcorp and Women's Health and Genetics/Laboratory Corporation of America, LabCorp); PubMed 28518168 (cited by Ambry Genetics); PubMed 32461654 (cited by Ambry Genetics); PubMed 17161064 (cited by Women's Health and Genetics/Laboratory Corporation of America, LabCorp).